The following is an entry in ClinVar:

ClinVar aggregate classification (germline): Uncertain significance. Review status: criteria provided, multiple submitters, no conflicts (2 of 4 stars). 3 submissions from 3 submitters: Uncertain significance (3). Last evaluated 2025-01-09.

Conditions:
Long QT syndrome (LQTS). Identifiers: MedGen C0023976, MeSH D008133, MONDO:0002442. Disease mechanism: loss of function. Inheritance: Various modes of inheritance.
Andersen Tawil syndrome (LQT7). Also called: LONG QT SYNDROME 7; PERIODIC PARALYSIS, POTASSIUM-SENSITIVE CARDIODYSRHYTHMIC TYPE; Andersen Syndrome; Potassium-sensitive periodic paralysis, ventricular ectopy, and dysmorphic features; ANDERSEN CARDIODYSRHYTHMIC PERIODIC PARALYSIS. Identifiers: Orphanet 37553, MedGen C1563715, MONDO:0008222, OMIM 170390.
Short QT syndrome type 3. Identifiers: Orphanet 51083, MedGen C1865018, MONDO:0012314, OMIM 609622.
Cardiovascular phenotype. Identifiers: MedGen CN230736.

Allele frequency attached by ClinVar (database versions not stated): ESP Exome Variant Server 0.00008.
gnomAD v4.1: 2 of 1,614,168 alleles (0.00012%); highest among the groups gnomAD compares: Non-Finnish European, 0.00017%; no homozygotes.

Submissions (3):

Ambry Genetics
Classification: Uncertain significance for Cardiovascular phenotype. Last evaluated: 2025-01-09. Review status: criteria provided, single submitter. Criteria: Ambry Variant Classification Scheme 2023. Collection method: clinical testing. Allele origin: germline.
Comment: The p.G33R variant (also known as c.97G>C), located in coding exon 1 of the KCNJ2 gene, results from a G to C substitution at nucleotide position 97. The glycine at codon 33 is replaced by arginine, an amino acid with dissimilar properties. This amino acid position is well conserved in available vertebrate species. In addition, the in silico prediction for this alteration is inconclusive. Based on the available evidence, the clinical significance of this variant remains unclear.

Dept of Medical Biology, Uskudar University
Classification: Uncertain significance for Long QT syndrome. Last evaluated: 2024-01-08. Review status: criteria provided, single submitter. Criteria: Dept of Medical Biology Variant Classification. Collection method: research. Allele origin: maternal. Affected: yes. Observed: 1 variant allele.
Comment: Criteria: PM2, PP2

Labcorp Genetics (formerly Invitae), Labcorp
Classification: Uncertain significance for Short QT syndrome type 3; Andersen Tawil syndrome. Last evaluated: 2021-06-14. Review status: criteria provided, single submitter. Criteria: Invitae Variant Classification Sherloc (09022015). Collection method: clinical testing. Allele origin: germline.
Comment: In summary, the available evidence is currently insufficient to determine the role of this variant in disease. Therefore, it has been classified as a Variant of Uncertain Significance. Algorithms developed to predict the effect of missense changes on protein structure and function are either unavailable or do not agree on the potential impact of this missense change (SIFT: "Tolerated"; PolyPhen-2: "Probably Damaging"; Align-GVGD: "Class C0"). This variant has not been reported in the literature in individuals with KCNJ2-related conditions. This variant is not present in population databases (ExAC no frequency). This sequence change replaces glycine with arginine at codon 33 of the KCNJ2 protein (p.Gly33Arg). The glycine residue is highly conserved and there is a moderate physicochemical difference between glycine and arginine.

NM_000891.3(KCNJ2):c.97G>C (p.Gly33Arg)

Gene: KCNJ2 (potassium inwardly rectifying channel subfamily J member 2; plus strand). Cytogenetic location: 17q24.3.
Variant type: single nucleotide variant.
Coding change: c.97G>C on transcript NM_000891.3 (MANE Select); coding-DNA position 97, G replaced by C.
Protein change: p.Gly33Arg; replaces glycine 33 with arginine.
Molecular consequence: missense variant.
Genome position (GRCh38, 1-based): chr17:70,175,136, G>C. VCF-style: chr17-70175136-G-C. GRCh37 (hg19) VCF-style: chr17-68171277-G-C.
Other names: c.97G>C (NM_000891.2); short protein forms G33R.
Identifiers: ClinVar variation 1409457 (VCV001409457.11), dbSNP rs375727662, ClinGen allele CA293702899.